The following is an entry in ClinVar:

NM_001324418.2(ADAM22):c.2271G>A (p.Ala757=)

Gene: ADAM22 (ADAM metallopeptidase domain 22; plus strand). Cytogenetic location: 7q21.12.
Variant type: single nucleotide variant.
Coding change: c.2271G>A on transcript NM_001324418.2 (MANE Select); coding-DNA position 2271, G replaced by A.
Protein change: p.Ala757=; no amino-acid change (alanine 757 retained).
Molecular consequence: synonymous variant.
Genome position (GRCh38, 1-based): chr7:88,168,216, G>A. VCF-style: chr7-88168216-G-A. GRCh37 (hg19) VCF-style: chr7-87797531-G-A.
Other names: c.2268G>A, p.Ala756= (NM_001324417.2, NM_001324419.2, NM_001391978.1 and 2 more transcripts); c.2271G>A, p.Ala757= (NM_001324420.2, NM_001324421.2, NM_001391976.1 and 6 more transcripts); c.2322G>A, p.Ala774= (NM_001391975.1, NM_001391980.1); c.2247G>A, p.Ala749= (NM_001391982.1).
Identifiers: ClinVar variation 748893 (VCV000748893.27), dbSNP rs375592711, ClinGen allele CA4330775.

ClinVar aggregate classification (germline): Likely benign. Review status: criteria provided, multiple submitters, no conflicts (2 of 4 stars). 2 submissions from 2 submitters: Likely benign (2). Last evaluated 2022-11-01.

Allele frequency attached by ClinVar (database versions not stated): gnomAD exomes 0.00010; TOPMed 0.00013; 1000 Genomes Project 30x 0.00016; ESP Exome Variant Server 0.00017; 1000 Genomes Project 0.00020.
gnomAD v4.1: 160 of 1,612,456 alleles (0.0099%); highest among the groups gnomAD compares: Middle Eastern, 0.017%; no homozygotes.

Submissions (2):

CeGaT Center for Human Genetics Tuebingen
Classification: Likely benign. Last evaluated: 2022-11-01. Review status: criteria provided, single submitter. Criteria: CeGaT Center For Human Genetics Tuebingen Variant Classification Criteria Version 2. Collection method: clinical testing. Allele origin: germline. Affected: yes. Observed: 1 variant allele.
Comment: ADAM22: BP4, BP7

Labcorp Genetics (formerly Invitae), Labcorp
Classification: Likely benign. Last evaluated: 2018-05-24. Review status: criteria provided, single submitter. Criteria: Invitae Variant Classification Sherloc (09022015). Collection method: clinical testing. Allele origin: germline.